The following is an entry in ClinVar:

ClinVar aggregate classification (germline): Benign/Likely benign. Review status: criteria provided, multiple submitters, no conflicts (2 of 4 stars). 6 submissions from 6 submitters: Benign (4); Likely benign (2). Last evaluated 2026-01-28.

Conditions:
LAMA2-related muscular dystrophy (LAMA2-RD). Also called: Laminin alpha 2-related dystrophy. Identifiers: MedGen C5679788, MONDO:0100228.
Congenital muscular dystrophy due to partial LAMA2 deficiency. Identifiers: MedGen C1842898.

Allele frequency attached by ClinVar (database versions not stated): gnomAD exomes 0.00031 and 0.00080; ExAC 0.00108; ESP Exome Variant Server 0.00284; 1000 Genomes Project 30x 0.00297; TOPMed 0.00302; gnomAD 0.00318 and 0.00344; 1000 Genomes Project 0.00359.
gnomAD v4.1: 928 of 1,613,548 alleles (0.058%); highest among the groups gnomAD compares: African/African-American, 1.2%; 14 homozygotes.

Submissions (6):

Labcorp Genetics (formerly Invitae), Labcorp
Classification: Benign for LAMA2-related muscular dystrophy. Last evaluated: 2026-01-28. Review status: criteria provided, single submitter. Criteria: Invitae Variant Classification Sherloc (09022015). Collection method: clinical testing. Allele origin: germline.

CeGaT Center for Human Genetics Tuebingen
Classification: Benign. Last evaluated: 2024-04-01. Review status: criteria provided, single submitter. Criteria: CeGaT Center For Human Genetics Tuebingen Variant Classification Criteria Version 2. Collection method: clinical testing. Allele origin: germline. Affected: yes. Observed: 1 variant allele.
Comment: LAMA2: BP4, BP7, BS1, BS2

GeneDx
Classification: Benign. Last evaluated: 2019-03-29. Review status: criteria provided, single submitter. Criteria: GeneDx Variant Classification Process June 2021. Collection method: clinical testing. Allele origin: germline. Affected: yes.

Illumina Laboratory Services, Illumina
Classification: Likely benign for Congenital muscular dystrophy due to partial LAMA2 deficiency. Last evaluated: 2018-01-12. Review status: criteria provided, single submitter. Criteria: ICSL Variant Classification Criteria 13 December 2019. Collection method: clinical testing. Allele origin: germline.
Comment: This variant was observed in the ICSL laboratory as part of a predisposition screen in an ostensibly healthy population. It had not been previously curated by ICSL or reported in the Human Gene Mutation Database (HGMD: prior to June 1st, 2018), and was therefore a candidate for classification through an automated scoring system. Utilizing variant allele frequency, disease prevalence and penetrance estimates, and inheritance mode, an automated score was calculated to assess if this variant is too frequent to cause the disease. Based on the score and internal cut-off values, a variant classified as likely benign is not then subjected to further curation. The score for this variant resulted in a classification of likely benign for this disease.

Eurofins Ntd Llc (ga)
Classification: Benign. Last evaluated: 2015-01-15. Review status: criteria provided, single submitter. Criteria: EGL Classification Definitions 2015. Collection method: clinical testing. Allele origin: germline. Observed: 1 variant allele, 1 heterozygote.

Breakthrough Genomics
Classification: Likely benign. Review status: criteria provided, single submitter. Criteria: ACMG Guidelines, 2015. Collection method: not provided. Allele origin: germline. Inheritance: Autosomal recessive inheritance. Affected: yes.

NM_000426.4(LAMA2):c.8982T>C (p.Asp2994=)

Gene: LAMA2 (laminin subunit alpha 2; plus strand). Cytogenetic location: 6q22.33.
Variant type: single nucleotide variant.
Coding change: c.8982T>C on transcript NM_000426.4 (MANE Select); coding-DNA position 8982, T replaced by C.
Protein change: p.Asp2994=; no amino-acid change (aspartic acid 2994 retained).
Molecular consequence: synonymous variant.
Genome position (GRCh38, 1-based): chr6:129,512,487, T>C. VCF-style: chr6-129512487-T-C. GRCh37 (hg19) VCF-style: chr6-129833632-T-C.
Other names: c.8970T>C, p.Asp2990= (NM_001079823.2).
Identifiers: ClinVar variation 198327 (VCV000198327.41), dbSNP rs79374915, ClinGen allele CA203360.